The following is an entry in ClinVar:

NM_021830.5(TWNK):c.792T>C (p.Ser264=)

Gene: TWNK (twinkle mtDNA helicase; plus strand). Cytogenetic location: 10q24.31.
Variant type: single nucleotide variant.
Coding change: c.792T>C on transcript NM_021830.5 (MANE Select); coding-DNA position 792, T replaced by C.
Protein change: p.Ser264=; no amino-acid change (serine 264 retained).
Molecular consequence: synonymous variant. On other transcripts: non-coding transcript variant (4), intron variant (3).
Genome position (GRCh38, 1-based): chr10:100,989,002, T>C. VCF-style: chr10-100989002-T-C. GRCh37 (hg19) VCF-style: chr10-102748759-T-C.
Other names: p.Ser264=; c.792T>C, p.Ser264= (NM_001163812.2); c.-119-642T>C (NM_001163814.2, NM_001163813.2); c.-57-704T>C (NM_001368275.1).
Identifiers: ClinVar variation 3715728 (VCV003715728.4).

ClinVar aggregate classification (germline): Likely benign. Review status: criteria provided, multiple submitters, no conflicts (2 of 4 stars). 3 submissions from 3 submitters: Likely benign (3). Last evaluated 2025-09-13.

gnomAD v4.1: 27 of 1,613,864 alleles (0.0017%); highest among the groups gnomAD compares: Non-Finnish European, 0.0022%; no homozygotes.

Submissions (3):

Labcorp Genetics (formerly Invitae), Labcorp
Classification: Likely benign. Last evaluated: 2025-09-13. Review status: criteria provided, single submitter. Criteria: Invitae Variant Classification Sherloc (09022015). Collection method: clinical testing. Allele origin: germline.

Mayo Clinic Laboratories, Mayo Clinic
Classification: Likely benign. Last evaluated: 2025-05-06. Review status: criteria provided, single submitter. Criteria: ACMG Guidelines, 2015. Collection method: clinical testing. Allele origin: germline. Observed: 1 variant allele.
Comment: BP4, BP7

Blueprint Genetics
Classification: Likely benign. Last evaluated: 2021-06-16. Review status: criteria provided, single submitter. Criteria: ACMG Guidelines, 2015. Collection method: clinical testing. Allele origin: germline.